The following is an entry in ClinVar:

ClinVar aggregate classification (germline): Uncertain significance. Review status: criteria provided, multiple submitters, no conflicts (2 of 4 stars). 3 submissions from 3 submitters: Uncertain significance (3). Last evaluated 2025-07-03.

Conditions:
Inborn genetic diseases. Identifiers: MedGen C0950123, MeSH D030342.
IMPG2-related disorder. Also called: IMPG2-related condition.

Allele frequency attached by ClinVar (database versions not stated): gnomAD 0.00001; ExAC 0.00002; gnomAD exomes 0.00002 and 0.00003; TOPMed 0.00002.
gnomAD v4.1: 10 of 1,614,042 alleles (0.00062%); highest among the groups gnomAD compares: Admixed American, 0.017%; no homozygotes.

Submissions (3):

Ambry Genetics
Classification: Uncertain significance for Inborn genetic diseases. Last evaluated: 2025-07-03. Review status: criteria provided, single submitter. Criteria: Ambry Variant Classification Scheme 2023. Collection method: clinical testing. Allele origin: germline.

PreventionGenetics, part of Exact Sciences
Classification: Uncertain significance for IMPG2-related condition. Last evaluated: 2025-04-18. Review status: criteria provided, single submitter. Criteria: ACMG Guidelines, 2015. Collection method: clinical testing. Allele origin: germline.
Comment: The IMPG2 c.2535A>G variant is predicted to result in the amino acid substitution p.Ile845Met. To our knowledge, this variant has not been reported in the literature. This variant is reported in 0.020% of alleles in individuals of Latino descent in gnomAD. At this time, the clinical significance of this variant is uncertain due to the absence of conclusive functional and genetic evidence.

Labcorp Genetics (formerly Invitae), Labcorp
Classification: Uncertain significance. Last evaluated: 2022-11-22. Review status: criteria provided, single submitter. Criteria: Invitae Variant Classification Sherloc (09022015). Collection method: clinical testing. Allele origin: germline.
Comment: In summary, the available evidence is currently insufficient to determine the role of this variant in disease. Therefore, it has been classified as a Variant of Uncertain Significance. Advanced modeling of protein sequence and biophysical properties (such as structural, functional, and spatial information, amino acid conservation, physicochemical variation, residue mobility, and thermodynamic stability) performed at Invitae indicates that this missense variant is not expected to disrupt IMPG2 protein function. ClinVar contains an entry for this variant (Variation ID: 1516443). This variant has not been reported in the literature in individuals affected with IMPG2-related conditions. This variant is present in population databases (rs773949753, gnomAD 0.02%). This sequence change replaces isoleucine, which is neutral and non-polar, with methionine, which is neutral and non-polar, at codon 845 of the IMPG2 protein (p.Ile845Met).

NM_016247.4(IMPG2):c.2535A>G (p.Ile845Met)

Gene: IMPG2 (interphotoreceptor matrix proteoglycan 2; minus strand). Cytogenetic location: 3q12.3.
Variant type: single nucleotide variant.
Coding change: c.2535A>G on transcript NM_016247.4 (MANE Select); coding-DNA position 2535, A replaced by G.
Protein change: p.Ile845Met; replaces isoleucine 845 with methionine.
Molecular consequence: missense variant.
Genome position (GRCh38, 1-based): chr3:101,243,796, T>C on the plus strand (A>G on the coding strand, the complement: IMPG2 is on the minus strand). VCF-style: chr3-101243796-T-C. GRCh37 (hg19) VCF-style: chr3-100962640-T-C.
Other names: c.2535A>G (NM_016247.3); short protein forms I845M.
Identifiers: ClinVar variation 1516443 (VCV001516443.10), dbSNP rs773949753, ClinGen allele CA2518953.